The following is an entry in ClinVar:

NM_001848.3(COL6A1):c.1048G>A (p.Gly350Arg)

Gene: COL6A1 (collagen type VI alpha 1 chain; plus strand). Cytogenetic location: 21q22.3.
Variant type: single nucleotide variant.
Coding change: c.1048G>A on transcript NM_001848.3 (MANE Select); coding-DNA position 1048, G replaced by A.
Protein change: p.Gly350Arg; replaces glycine 350 with arginine.
Molecular consequence: missense variant.
Genome position (GRCh38, 1-based): chr21:45,990,818, G>A. VCF-style: chr21-45990818-G-A. GRCh37 (hg19) VCF-style: chr21-47410732-G-A.
Other names: short protein forms G350R.
Identifiers: ClinVar variation 1312863 (VCV001312863.2), dbSNP rs1362441737, ClinGen allele CA410523472.
Genomic context (GRCh38, chr21:45,990,818, plus strand): 5'-TCTTCCTCTTTCCAGGGGGAGATGGGGTACCCAGGCCTGCCAGGCTGCAAGGGCTCGCCC[G>A]GGTTTGACGTAAGTCACTTCCTCTCACTGATACTTTAAAACTAGCGCTGTCAGCAGCACC-3'
Protein context (NP_001839.2, residues 340-360): PGLPGCKGSP[Gly350Arg]FDGIQGPPGP

ClinVar aggregate classification (germline): Uncertain significance (1 of 4 stars; one submission).

Allele frequency attached by ClinVar (database versions not stated): gnomAD exomes below 0.00001; TOPMed below 0.00001.
gnomAD v4.1: 4 of 1,613,424 alleles (0.00025%); highest among the groups gnomAD compares: South Asian, 0.0011%; no homozygotes.

Submission:

GeneDx
Classification: Uncertain significance. Last evaluated: 2020-06-29. Review status: criteria provided, single submitter. Criteria: GeneDx Variant Classification Process June 2021. Collection method: clinical testing. Allele origin: germline. Affected: yes.
Comment: Located in a region intolerant to change: occurs in the triple helical region and replaces the Gly position in the canonical Gly-X-Y repeat of COL6A1; In silico analysis supports that this missense variant has a deleterious effect on protein structure/function; Has not been previously published as pathogenic or benign to our knowledge